The following is an entry in ClinVar:

ClinVar aggregate classification (germline): Conflicting classifications of pathogenicity. Review status: criteria provided, conflicting classifications (1 of 4 stars). 3 submissions from 3 submitters: Uncertain significance (2); Likely benign (1). Last evaluated 2025-10-15.

Conditions:
Duchenne muscular dystrophy (DMD). Also called: MUSCULAR DYSTROPHY, PSEUDOHYPERTROPHIC PROGRESSIVE, DUCHENNE TYPE; Duchenne Muscular Dystrophy (DMD). Identifiers: Orphanet 98896, MedGen C0013264, MONDO:0010679, OMIM 310200.
Cardiovascular phenotype. Identifiers: MedGen CN230736.

Allele frequency attached by ClinVar (database versions not stated): gnomAD 0.00002; TOPMed 0.00002.
gnomAD v4.1: 25 of 1,209,287 alleles (0.0021%); highest among the groups gnomAD compares: Non-Finnish European, 0.0028%; no homozygotes.

Submissions (3):

Ambry Genetics
Classification: Likely benign for Cardiovascular phenotype. Last evaluated: 2025-10-15. Review status: criteria provided, single submitter. Criteria: Ambry Variant Classification Scheme 2023. Collection method: clinical testing. Allele origin: germline.

Labcorp Genetics (formerly Invitae), Labcorp
Classification: Uncertain significance for Duchenne muscular dystrophy. Last evaluated: 2025-10-13. Review status: criteria provided, single submitter. Criteria: Invitae Variant Classification Sherloc (09022015). Collection method: clinical testing. Allele origin: germline.
Comment: This sequence change replaces lysine, which is basic and polar, with glutamine, which is neutral and polar, at codon 2254 of the DMD protein (p.Lys2254Gln). This variant is present in population databases (rs201818335, gnomAD 0.001%). This variant has not been reported in the literature in individuals affected with DMD-related conditions. ClinVar contains an entry for this variant (Variation ID: 810549). An algorithm developed to predict the effect of missense changes on protein structure and function (PolyPhen-2) suggests that this variant is likely to be disruptive. In summary, the available evidence is currently insufficient to determine the role of this variant in disease. Therefore, it has been classified as a Variant of Uncertain Significance.

CeGaT Center for Human Genetics Tuebingen
Classification: Uncertain significance. Last evaluated: 2017-03-01. Review status: criteria provided, single submitter. Criteria: CeGaT Center For Human Genetics Tuebingen Variant Classification Criteria Version 2. Collection method: clinical testing. Allele origin: germline. Affected: yes. Observed: 1 variant allele.

NM_004006.3(DMD):c.6760A>C (p.Lys2254Gln)

Gene: DMD (dystrophin; minus strand). Cytogenetic location: Xp21.1.
Variant type: single nucleotide variant.
Coding change: c.6760A>C on transcript NM_004006.3 (MANE Select); coding-DNA position 6760, A replaced by C.
Protein change: p.Lys2254Gln; replaces lysine 2254 with glutamine.
Molecular consequence: missense variant. On other transcripts: 5 prime UTR variant (5).
Genome position (GRCh38, 1-based): chrX:31,932,082, T>G on the plus strand (A>C on the coding strand, the complement: DMD is on the minus strand). VCF-style: chrX-31932082-T-G. GRCh37 (hg19) VCF-style: chrX-31950199-T-G.
Other names: c.6736A>C, p.Lys2246Gln (NM_000109.4); c.6748A>C, p.Lys2250Gln (NM_004009.3); c.6391A>C, p.Lys2131Gln (NM_004010.3); c.2737A>C, p.Lys913Gln (NM_004011.4); c.2728A>C, p.Lys910Gln (NM_004012.4); c.-621A>C (NM_004013.3, NM_004020.4, NM_004021.3 and 2 more transcripts); short protein forms K2131Q, K2246Q, K910Q, K913Q, K2250Q, K2254Q.
Identifiers: ClinVar variation 810549 (VCV000810549.47), dbSNP rs201818335, ClinGen allele CA10378414.
Genomic context (GRCh38, chrX:31,932,082, plus strand): 5'-AGATTCATATACTTCTTTATGCAAGCAGGCCCTGGGGGATTTGAGAAAATAAAATTACCT[T>G]GACTTGCTCAAGCTTTTCTTTTAGTTGCTGCTCTTTTCCAGGTTCAAGTGGGATACTAGC-3'
Protein context (NP_003997.2, residues 2244-2264): QQLKEKLEQV[Lys2254Gln]LLVEELPLRQ